The following is an entry in ClinVar:

ClinVar aggregate classification (germline): Likely benign (0 of 4 stars; one submission).

Conditions:
ZBTB17-related disorder. Also called: ZBTB17-related condition.

Allele frequency attached by ClinVar (database versions not stated): ExAC 0.00003; ESP Exome Variant Server 0.00023.
gnomAD v4.1: 124 of 1,613,830 alleles (0.0077%); highest among the groups gnomAD compares: Non-Finnish European, 0.01%; no homozygotes.

Submission:

PreventionGenetics, part of Exact Sciences
Classification: Likely benign for ZBTB17-related condition. Last evaluated: 2019-06-26. Review status: no assertion criteria provided. Collection method: clinical testing. Allele origin: germline.
Comment: This variant is classified as likely benign based on ACMG/AMP sequence variant interpretation guidelines (Richards et al. 2015 PMID: 25741868, with internal and published modifications).

NM_003443.3(ZBTB17):c.2128+9G>A

Genes: ZBTB17 (zinc finger and BTB domain containing 17; minus strand), LOC126805632 (CDK7 strongly-dependent group 2 enhancer GRCh37_chr1:16268619-16269818; plus strand). Cytogenetic location: 1p36.13.
Variant type: single nucleotide variant.
Coding change: c.2128+9G>A on transcript NM_003443.3 (MANE Select); 9 bases into the intron after coding-DNA position 2128, G replaced by A.
Molecular consequence: intron variant.
Genome position (GRCh38, 1-based): chr1:15,942,322, C>T on the plus strand (G>A on the coding strand, the complement: ZBTB17 is on the minus strand). VCF-style: chr1-15942322-C-T. GRCh37 (hg19) VCF-style: chr1-16268817-C-T.
Other names: c.1900+9G>A (NM_001324137.2, NM_001287604.2); c.1882+9G>A (NM_001242884.2); c.1939+9G>A (NM_001324138.2); c.2149+9G>A (NM_001287603.2).
Identifiers: ClinVar variation 3042922 (VCV003042922.2), dbSNP rs376259268, ClinGen allele CA620974.